The following is an entry in ClinVar:

ClinVar aggregate classification (germline): Uncertain significance (1 of 4 stars; one submission).

gnomAD v4.1: 1 of 1,613,940 alleles (0.000062%); highest among the groups gnomAD compares: Non-Finnish European, 0.000085%; no homozygotes.

Submission:

Labcorp Genetics (formerly Invitae), Labcorp
Classification: Uncertain significance. Last evaluated: 2021-04-28. Review status: criteria provided, single submitter. Criteria: Invitae Variant Classification Sherloc (09022015). Collection method: clinical testing. Allele origin: germline.
Comment: In summary, the available evidence is currently insufficient to determine the role of this variant in disease. Therefore, it has been classified as a Variant of Uncertain Significance. Algorithms developed to predict the effect of missense changes on protein structure and function (SIFT, PolyPhen-2, Align-GVGD) all suggest that this variant is likely to be tolerated, but these predictions have not been confirmed by published functional studies and their clinical significance is uncertain. This variant has not been reported in the literature in individuals with SEPT9-related conditions. This variant is present in population databases (rs763187057, ExAC 0.002%). This sequence change replaces asparagine with threonine at codon 378 of the SEPT9 protein (p.Asn378Thr). The asparagine residue is highly conserved and there is a small physicochemical difference between asparagine and threonine.

NM_001113491.2(SEPTIN9):c.1187A>C (p.Asn396Thr)

Gene: SEPTIN9 (septin 9; plus strand). Cytogenetic location: 17q25.3.
Variant type: single nucleotide variant.
Coding change: c.1187A>C on transcript NM_001113491.2 (MANE Select); coding-DNA position 1187, A replaced by C.
Protein change: p.Asn396Thr; replaces asparagine 396 with threonine.
Molecular consequence: missense variant.
Genome position (GRCh38, 1-based): chr17:77,488,789, A>C. VCF-style: chr17-77488789-A-C. GRCh37 (hg19) VCF-style: chr17-75484871-A-C.
Other names: c.695A>C, p.Asn232Thr (NM_001113492.2, NM_001113494.1); c.1166A>C, p.Asn389Thr (NM_001113493.2); c.434A>C, p.Asn145Thr (NM_001113495.2, NM_001113496.2, NM_001293697.2 and 1 more transcripts); c.1130A>C, p.Asn377Thr (NM_001293695.2); c.515A>C, p.Asn172Thr (NM_001293696.2); c.1133A>C, p.Asn378Thr (NM_006640.5); short protein forms N145T, N172T, N232T, N377T, N378T, N389T, N396T.
Identifiers: ClinVar variation 1682647 (VCV001682647.7), dbSNP rs763187057, ClinGen allele CA8793707.